The following is an entry in ClinVar:

NM_020806.5(GPHN):c.1268T>C (p.Ile423Thr)

Gene: GPHN (gephyrin; plus strand). Cytogenetic location: 14q23.3.
Variant type: single nucleotide variant.
Coding change: c.1268T>C on transcript NM_020806.5 (MANE Select); coding-DNA position 1268, T replaced by C.
Protein change: p.Ile423Thr; replaces isoleucine 423 with threonine.
Molecular consequence: missense variant.
Genome position (GRCh38, 1-based): chr14:67,100,886, T>C. VCF-style: chr14-67100886-T-C. GRCh37 (hg19) VCF-style: chr14-67567603-T-C.
Other names: c.1169T>C, p.Ile390Thr (NM_001024218.2); c.1328T>C, p.Ile443Thr (NM_001377514.1); c.1298T>C, p.Ile433Thr (NM_001377515.1); c.1289T>C, p.Ile430Thr (NM_001377516.1); c.1241T>C, p.Ile414Thr (NM_001377517.1); c.1226T>C, p.Ile409Thr (NM_001377518.1); c.1208T>C, p.Ile403Thr (NM_001377519.1); short protein forms I409T, I414T, I430T, I433T, I403T, I390T, I423T, I443T.
Identifiers: ClinVar variation 3014533 (VCV003014533.3), dbSNP rs919686056, ClinGen allele CA263306550.
Genomic context (GRCh38, chr14:67,100,886, plus strand): 5'-GTTTGTTCTTGGCTCTGTTCCATCTCACAGCTGCTGATGGCCCAGGAGATCGTTTCATCA[T>C]TGGGGAATCCCAAGCTGGTGAACAGGTGAGATTGATAGGCCTGAAAGGCACTGAAGATTT-3'
Protein context (NP_065857.1, residues 413-433): AADGPGDRFI[Ile423Thr]GESQAGEQPT

ClinVar aggregate classification (germline): Uncertain significance (1 of 4 stars; one submission).

Conditions:
Sulfite oxidase deficiency due to molybdenum cofactor deficiency type C. Also called: Molybdenum cofactor deficiency, complementation group C; Molybdenum cofactor deficiency C. Identifiers: Orphanet 308400, Orphanet 833, MedGen C1854990, MONDO:0014212, OMIM 615501.

Allele frequency attached by ClinVar (database versions not stated): gnomAD exomes below 0.00001; TOPMed 0.00002; gnomAD 0.00003.

Submission:

Labcorp Genetics (formerly Invitae), Labcorp
Classification: Uncertain significance for Sulfite oxidase deficiency due to molybdenum cofactor deficiency type C. Last evaluated: 2023-04-09. Review status: criteria provided, single submitter. Criteria: Invitae Variant Classification Sherloc (09022015). Collection method: clinical testing. Allele origin: germline.
Comment: This sequence change replaces isoleucine, which is neutral and non-polar, with threonine, which is neutral and polar, at codon 423 of the GPHN protein (p.Ile423Thr). This variant is present in population databases (no rsID available, gnomAD 0.01%). This variant has not been reported in the literature in individuals affected with GPHN-related conditions. Advanced modeling of protein sequence and biophysical properties (such as structural, functional, and spatial information, amino acid conservation, physicochemical variation, residue mobility, and thermodynamic stability) performed at Invitae indicates that this missense variant is not expected to disrupt GPHN protein function. In summary, the available evidence is currently insufficient to determine the role of this variant in disease. Therefore, it has been classified as a Variant of Uncertain Significance.